The following is an entry in ClinVar:

ClinVar aggregate classification (germline): Uncertain significance. Review status: criteria provided, multiple submitters, no conflicts (2 of 4 stars). 2 submissions from 2 submitters: Uncertain significance (2). Last evaluated 2023-08-30.

Conditions:
Thromboxane synthetase deficiency (BDPLT14). Also called: Bleeding disorder, platelet-type, 14. Identifiers: MedGen C0398635, MONDO:0013597, OMIM 614158.

Allele frequency attached by ClinVar (database versions not stated): gnomAD 0.00004; ExAC 0.00011; TOPMed 0.00013; 1000 Genomes Project 30x 0.00078; 1000 Genomes Project 0.00080.

Submissions (2):

Labcorp Genetics (formerly Invitae), Labcorp
Classification: Uncertain significance. Last evaluated: 2023-08-30. Review status: criteria provided, single submitter. Criteria: Invitae Variant Classification Sherloc (09022015). Collection method: clinical testing. Allele origin: germline.
Comment: This variant is present in population databases (rs193110720, gnomAD 0.2%). This sequence change replaces arginine, which is basic and polar, with leucine, which is neutral and non-polar, at codon 85 of the TBXAS1 protein (p.Arg85Leu). This variant has not been reported in the literature in individuals affected with TBXAS1-related conditions. ClinVar contains an entry for this variant (Variation ID: 838155). An algorithm developed to predict the effect of missense changes on protein structure and function (PolyPhen-2) suggests that this variant is likely to be disruptive. In summary, the available evidence is currently insufficient to determine the role of this variant in disease. Therefore, it has been classified as a Variant of Uncertain Significance.

Baylor Genetics
Classification: Uncertain significance for Thromboxane synthetase deficiency. Last evaluated: 2018-02-09. Review status: criteria provided, single submitter. Criteria: ACMG Guidelines, 2015. Collection method: clinical testing. Allele origin: paternal. Affected: yes.
Comment: This variant was determined to be of uncertain significance according to ACMG Guidelines, 2015 [PMID:25741868].

NM_001061.7(TBXAS1):c.251G>T (p.Arg84Leu)

Gene: TBXAS1 (thromboxane A synthase 1; plus strand). Cytogenetic location: 7q34.
Variant type: single nucleotide variant.
Coding change: c.251G>T on transcript NM_001061.7 (MANE Select); coding-DNA position 251, G replaced by T.
Protein change: p.Arg84Leu; replaces arginine 84 with leucine.
Molecular consequence: missense variant. On other transcripts: intron variant (1).
Genome position (GRCh38, 1-based): chr7:139,911,239, G>T. VCF-style: chr7-139911239-G-T. GRCh37 (hg19) VCF-style: chr7-139611038-G-T.
Other names: c.251G>T, p.Arg84Leu (NM_001130966.5, NM_001166253.4, NM_001366538.2 and 1 more transcripts); c.50G>T, p.Arg17Leu (NM_001166254.4); c.194G>T, p.Arg65Leu (NM_001314028.4); c.151-24952G>T (NM_001366537.3); short protein forms R65L, R17L, R84L.
Identifiers: ClinVar variation 838155 (VCV000838155.7), dbSNP rs193110720, ClinGen allele CA4511555.